The following is an entry in ClinVar:

NM_001283009.2(RTEL1):c.3697G>T (p.Ala1233Ser)

Genes: RTEL1 (regulator of telomere elongation helicase 1; plus strand), RTEL1-TNFRSF6B (RTEL1-TNFRSF6B readthrough (NMD candidate); plus strand). Cytogenetic location: 20q13.33.
Variant type: single nucleotide variant.
Coding change: c.3697G>T on transcript NM_001283009.2 (MANE Select); coding-DNA position 3697, G replaced by T.
Protein change: p.Ala1233Ser; replaces alanine 1233 with serine.
Molecular consequence: missense variant. On other transcripts: non-coding transcript variant (1), intron variant (3).
Genome position (GRCh38, 1-based): chr20:63,695,525, G>T. VCF-style: chr20-63695525-G-T. GRCh37 (hg19) VCF-style: chr20-62326878-G-T.
Other names: c.2983+45G>T (NM_001283010.1); c.3724+45G>T (NM_032957.5); c.3652+45G>T (NM_016434.4); short protein forms A1233S.
Identifiers: ClinVar variation 4157658 (VCV004157658.1).

ClinVar aggregate classification (germline): Uncertain significance (1 of 4 stars; one submission).

Conditions:
Inborn genetic diseases. Identifiers: MedGen C0950123, MeSH D030342.

Submission:

Ambry Genetics
Classification: Uncertain significance for Inborn genetic diseases. Last evaluated: 2025-08-12. Review status: criteria provided, single submitter. Criteria: Ambry Variant Classification Scheme 2023. Collection method: clinical testing. Allele origin: germline.
Comment: The p.A1233S variant (also known as c.3697G>T), located in coding exon 33 of the RTEL1 gene, results from a G to T substitution at nucleotide position 3697. The alanine at codon 1233 is replaced by serine, an amino acid with similar properties. This amino acid position is conserved. In addition, this alteration is predicted to be tolerated by in silico analysis. Based on the available evidence, the clinical significance of this variant remains unclear.